The following is an entry in ClinVar:

NM_006019.4(TCIRG1):c.1138G>A (p.Val380Met)

Gene: TCIRG1 (T cell immune regulator 1, ATPase H+ transporting V0 subunit a3; plus strand). Cytogenetic location: 11q13.2.
Variant type: single nucleotide variant.
Coding change: c.1138G>A on transcript NM_006019.4 (MANE Select); coding-DNA position 1138, G replaced by A.
Protein change: p.Val380Met; replaces valine 380 with methionine.
Molecular consequence: missense variant.
Genome position (GRCh38, 1-based): chr11:68,045,075, G>A. VCF-style: chr11-68045075-G-A. GRCh37 (hg19) VCF-style: chr11-67812542-G-A.
Other names: c.1138G>A (NM_006019.3); c.244G>A, p.Val82Met (NM_001351059.2); c.490G>A, p.Val164Met (NM_006053.4); short protein forms V164M, V82M, V380M.
Identifiers: ClinVar variation 2197667 (VCV002197667.18), dbSNP rs191388932, ClinGen allele CA6146958.
Genomic context (GRCh38, chr11:68,045,075, plus strand): 5'-ACACTCATCCGCACCAACCGCTTCACGGCCAGCTTCCAGGGCATCGTGGATGCCTACGGC[G>A]TGGGCCGCTACCAGGAGGTCAACCCCGGTGAGAGCCACGGCATCCTTACCCGTGTCCTGG-3'
Protein context (NP_006010.2, residues 370-390): SFQGIVDAYG[Val380Met]GRYQEVNPAP

ClinVar aggregate classification (germline): Uncertain significance. Review status: criteria provided, multiple submitters, no conflicts (2 of 4 stars). 3 submissions from 3 submitters: Uncertain significance (3). Last evaluated 2024-09-01.

Conditions:
Inborn genetic diseases. Identifiers: MedGen C0950123, MeSH D030342.

Allele frequency attached by ClinVar (database versions not stated): ExAC 0.00003; ESP Exome Variant Server 0.00008; TOPMed 0.00008; gnomAD 0.00009; 1000 Genomes Project 30x 0.00031; 1000 Genomes Project 0.00040.

Submissions (3):

CeGaT Center for Human Genetics Tuebingen
Classification: Uncertain significance. Last evaluated: 2024-09-01. Review status: criteria provided, single submitter. Criteria: CeGaT Center For Human Genetics Tuebingen Variant Classification Criteria Version 2. Collection method: clinical testing. Allele origin: germline. Affected: yes. Observed: 1 variant allele.
Comment: TCIRG1: PM2

Labcorp Genetics (formerly Invitae), Labcorp
Classification: Uncertain significance. Last evaluated: 2022-08-16. Review status: criteria provided, single submitter. Criteria: Invitae Variant Classification Sherloc (09022015). Collection method: clinical testing. Allele origin: germline.
Comment: This sequence change replaces valine, which is neutral and non-polar, with methionine, which is neutral and non-polar, at codon 380 of the TCIRG1 protein (p.Val380Met). This variant is present in population databases (rs191388932, gnomAD 0.02%). This variant has not been reported in the literature in individuals affected with TCIRG1-related conditions. Algorithms developed to predict the effect of missense changes on protein structure and function are either unavailable or do not agree on the potential impact of this missense change (SIFT: "Deleterious"; PolyPhen-2: "Probably Damaging"; Align-GVGD: "Class C0"). In summary, the available evidence is currently insufficient to determine the role of this variant in disease. Therefore, it has been classified as a Variant of Uncertain Significance.

Ambry Genetics
Classification: Uncertain significance for Inborn genetic diseases. Last evaluated: 2021-09-27. Review status: criteria provided, single submitter. Criteria: Ambry Variant Classification Scheme 2023. Collection method: clinical testing. Allele origin: germline.